The following is an entry in ClinVar:

NM_005357.4(LIPE):c.2798G>C (p.Arg933Thr)

Genes: LIPE (lipase E, hormone sensitive type; minus strand), LIPE-AS1 (LIPE antisense RNA 1; plus strand), LOC101930071 (uncharacterized LOC101930071; plus strand). Cytogenetic location: 19q13.2.
Variant type: single nucleotide variant.
Coding change: c.2798G>C on transcript NM_005357.4 (MANE Select); coding-DNA position 2798, G replaced by C.
Protein change: p.Arg933Thr; replaces arginine 933 with threonine.
Molecular consequence: missense variant.
Genome position (GRCh38, 1-based): chr19:42,402,776, C>G on the plus strand (G>C on the coding strand, the complement: LIPE is on the minus strand). VCF-style: chr19-42402776-C-G. GRCh37 (hg19) VCF-style: chr19-42906928-C-G.
Other names: c.2033G>C, p.Arg678Thr (NM_001416101.1); c.2048G>C, p.Arg683Thr (NM_001416100.1); c.1928G>C, p.Arg643Thr (NM_001416102.1); c.1895G>C, p.Arg632Thr (NM_001416103.1, NM_001416104.1); c.1805G>C, p.Arg602Thr (NM_001416105.1); c.1700G>C, p.Arg567Thr (NM_001416106.1); c.1211G>C, p.Arg404Thr (NM_001416107.1); c.1157G>C, p.Arg386Thr (NM_001416108.1); short protein forms R386T, R404T, R567T, R602T, R632T, R643T, R678T, R683T.
Identifiers: ClinVar variation 4084576 (VCV004084576.8).

ClinVar aggregate classification (germline): Uncertain significance (1 of 4 stars; one submission).

gnomAD v4.1: 1 of 1,600,918 alleles (0.000062%); highest among the groups gnomAD compares: Non-Finnish European, 0.000085%; no homozygotes.

Submission:

CeGaT Center for Human Genetics Tuebingen
Classification: Uncertain significance. Last evaluated: 2025-06-01. Review status: criteria provided, single submitter. Criteria: CeGaT Center For Human Genetics Tuebingen Variant Classification Criteria Version 2. Collection method: clinical testing. Allele origin: germline. Affected: yes. Observed: 1 variant allele.
Comment: LIPE: PM2, BP4